The following is an entry in ClinVar:

ClinVar aggregate classification (germline): Uncertain significance (1 of 4 stars; one submission).

gnomAD v4.1: 1 of 1,606,986 alleles (0.000062%); no homozygotes.

Submission:

Labcorp Genetics (formerly Invitae), Labcorp
Classification: Uncertain significance. Last evaluated: 2022-09-20. Review status: criteria provided, single submitter. Criteria: Invitae Variant Classification Sherloc (09022015). Collection method: clinical testing. Allele origin: germline.
Comment: Algorithms developed to predict the effect of sequence changes on RNA splicing suggest that this variant may disrupt the consensus splice site. This variant has not been reported in the literature in individuals affected with ACTN1-related conditions. This variant is present in population databases (no rsID available, gnomAD no frequency). This sequence change affects codon 788 of the ACTN1 mRNA. It is a 'silent' change, meaning that it does not change the encoded amino acid sequence of the ACTN1 protein. In summary, the available evidence is currently insufficient to determine the role of this variant in disease. Therefore, it has been classified as a Variant of Uncertain Significance.

NM_001130004.2(ACTN1):c.2364G>A (p.Lys788=)

Gene: ACTN1 (actinin alpha 1; minus strand). Cytogenetic location: 14q24.1.
Variant type: single nucleotide variant.
Coding change: c.2364G>A on transcript NM_001130004.2 (MANE Select); coding-DNA position 2364, G replaced by A.
Protein change: p.Lys788=; no amino-acid change (lysine 788 retained).
Molecular consequence: synonymous variant. On other transcripts: intron variant (2).
Genome position (GRCh38, 1-based): chr14:68,878,521, C>T on the plus strand (G>A on the coding strand, the complement: ACTN1 is on the minus strand). VCF-style: chr14-68878521-C-T. GRCh37 (hg19) VCF-style: chr14-69345238-C-T.
Other names: c.2283G>A, p.Lys761= (NM_001130005.2); c.2307G>A, p.Lys769= (NM_001411035.1); c.2361+468G>A (NM_001102.4); c.2166+468G>A (NM_001411036.1).
Identifiers: ClinVar variation 2031358 (VCV002031358.4), dbSNP rs1339809665, ClinGen allele CA486979725.